The following is an entry in ClinVar:

NM_001101362.3(KBTBD13):c.624C>T (p.Gly208=)

Gene: KBTBD13 (kelch repeat and BTB domain containing 13; plus strand). Cytogenetic location: 15q22.31.
Variant type: single nucleotide variant.
Coding change: c.624C>T on transcript NM_001101362.3 (MANE Select); coding-DNA position 624, C replaced by T.
Protein change: p.Gly208=; no amino-acid change (glycine 208 retained).
Molecular consequence: synonymous variant.
Genome position (GRCh38, 1-based): chr15:65,077,439, C>T. VCF-style: chr15-65077439-C-T. GRCh37 (hg19) VCF-style: chr15-65369777-C-T.
Identifiers: ClinVar variation 3618641 (VCV003618641.2).

ClinVar aggregate classification (germline): Uncertain significance (1 of 4 stars; one submission).

Conditions:
Nemaline myopathy 6 (NEM6). Also called: Nemaline myopathy 6, autosomal dominant. Identifiers: Orphanet 171439, MedGen C1836472, MONDO:0012237, OMIM 609273.

Submission:

Labcorp Genetics (formerly Invitae), Labcorp
Classification: Uncertain significance for Nemaline myopathy 6. Last evaluated: 2024-07-12. Review status: criteria provided, single submitter. Criteria: Invitae Variant Classification Sherloc (09022015). Collection method: clinical testing. Allele origin: germline.
Comment: This sequence change affects codon 208 of the KBTBD13 mRNA. It is a 'silent' change, meaning that it does not change the encoded amino acid sequence of the KBTBD13 protein. This variant is not present in population databases (gnomAD no frequency). This variant has not been reported in the literature in individuals affected with KBTBD13-related conditions. Experimental studies and prediction algorithms are not available or were not evaluated, and the effect of this variant on mRNA splicing is currently unknown. In summary, the available evidence is currently insufficient to determine the role of this variant in disease. Therefore, it has been classified as a Variant of Uncertain Significance.